The following is an entry in ClinVar:

ClinVar aggregate classification (germline): Uncertain significance (1 of 4 stars; one submission).

Submission:

GeneDx
Classification: Uncertain significance. Last evaluated: 2024-06-30. Review status: criteria provided, single submitter. Criteria: GeneDx Variant Classification Process June 2021. Collection method: clinical testing. Allele origin: germline. Affected: yes.
Comment: Not observed at significant frequency in large population cohorts (gnomAD); In silico analysis supports that this missense variant has a deleterious effect on protein structure/function; Has not been previously published as pathogenic or benign to our knowledge; This variant is associated with the following publications: (PMID: 22508754)

NM_007254.4(PNKP):c.1376A>G (p.His459Arg)

Gene: PNKP (polynucleotide kinase 3'-phosphatase; minus strand). Cytogenetic location: 19q13.33.
Variant type: single nucleotide variant.
Coding change: c.1376A>G on transcript NM_007254.4 (MANE Select); coding-DNA position 1376, A replaced by G.
Protein change: p.His459Arg; replaces histidine 459 with arginine.
Molecular consequence: missense variant.
Genome position (GRCh38, 1-based): chr19:49,861,618, T>C on the plus strand (A>G on the coding strand, the complement: PNKP is on the minus strand). VCF-style: chr19-49861618-T-C. GRCh37 (hg19) VCF-style: chr19-50364875-T-C.
Other names: short protein forms H459R.
Identifiers: ClinVar variation 3393675 (VCV003393675.1).
Genomic context (GRCh38, chr19:49,861,618, plus strand): 5'-GGGGGGTCAGGGGGTGCAGCCCGGGGGGTGTCCGGGCTGAGCGGGCTCACCCGGTTGTTG[T>C]GGCGCGCCTGCTCCAGAGTGGCGGTGAAGAGGAAGCAGCGGCAGGGGACGCCCGCGGCTC-3'
Protein context (NP_009185.2, residues 449-469): LFTATLEQAR[His459Arg]NNRFREMTDS